The following is an entry in ClinVar:

NM_022041.4(GAN):c.*747G>T

Gene: GAN (gigaxonin; plus strand). Cytogenetic location: 16q23.2.
Variant type: single nucleotide variant.
Coding change: c.*747G>T on transcript NM_022041.4 (MANE Select); 747 bases downstream of the stop codon, G replaced by T.
Molecular consequence: 3 prime UTR variant.
Genome position (GRCh38, 1-based): chr16:81,378,343, G>T. VCF-style: chr16-81378343-G-T. GRCh37 (hg19) VCF-style: chr16-81411948-G-T.
Other names: c.*747G>T (NM_001377486.1).
Identifiers: ClinVar variation 886173 (VCV000886173.4), dbSNP rs148581491, ClinGen allele CA285126033.
Genomic context (GRCh38, chr16:81,378,343, plus strand): 5'-AAAGAAGTTGCTCGCTTCTGTGTTGACTTAGATCAAGACACGTCACGCATCCTTTCTGGG[G>T]TAGTACCTGTGGAGCCGGGAAGGGTCTCCTGCAGTGCCATTCTGCCTTCTCAATGAGCAA-3'

ClinVar aggregate classification (germline): Likely benign (1 of 4 stars; one submission).

Conditions:
Giant axonal neuropathy 1 (GAN1). Also called: GAN-Related Neurodegeneration; GIANT AXONAL NEUROPATHY 1, AUTOSOMAL RECESSIVE. Identifiers: Orphanet 643, MedGen C1850386, MONDO:0009749, OMIM 256850.

Allele frequency attached by ClinVar (database versions not stated): gnomAD 0.00253 and 0.00262; TOPMed 0.00285; 1000 Genomes Project 30x 0.00390; 1000 Genomes Project 0.00419.

Submission:

Illumina Laboratory Services, Illumina
Classification: Likely benign for Giant axonal neuropathy 1. Last evaluated: 2018-01-13. Review status: criteria provided, single submitter. Criteria: ICSL Variant Classification Criteria 13 December 2019. Collection method: clinical testing. Allele origin: germline.
Comment: This variant was observed in the ICSL laboratory as part of a predisposition screen in an ostensibly healthy population. It had not been previously curated by ICSL or reported in the Human Gene Mutation Database (HGMD: prior to June 1st, 2018), and was therefore a candidate for classification through an automated scoring system. Utilizing variant allele frequency, disease prevalence and penetrance estimates, and inheritance mode, an automated score was calculated to assess if this variant is too frequent to cause the disease. Based on the score and internal cut-off values, a variant classified as likely benign is not then subjected to further curation. The score for this variant resulted in a classification of likely benign for this disease.